The following is an entry in ClinVar:

ClinVar aggregate classification (germline): Uncertain significance (0 of 4 stars; one submission).

Conditions:
PCNT-related disorder. Also called: PCNT-related condition.

gnomAD v4.1: 1 of 1,614,074 alleles (0.000062%); highest among the groups gnomAD compares: African/African-American, 0.0013%; no homozygotes.

Submission:

PreventionGenetics, part of Exact Sciences
Classification: Uncertain significance for PCNT-related condition. Last evaluated: 2024-01-30. Review status: no assertion criteria provided. Collection method: clinical testing. Allele origin: germline.
Comment: The PCNT c.2296A>G variant is predicted to result in the amino acid substitution p.Lys766Glu. To our knowledge, this variant has not been reported in the literature. This variant is reported in 0.011% of alleles in individuals of African descent in gnomAD. At this time, the clinical significance of this variant is uncertain due to the absence of conclusive functional and genetic evidence.

NM_006031.6(PCNT):c.2296A>G (p.Lys766Glu)

Gene: PCNT (pericentrin; plus strand). Cytogenetic location: 21q22.3.
Variant type: single nucleotide variant.
Coding change: c.2296A>G on transcript NM_006031.6 (MANE Select); coding-DNA position 2296, A replaced by G.
Protein change: p.Lys766Glu; replaces lysine 766 with glutamic acid.
Molecular consequence: missense variant.
Genome position (GRCh38, 1-based): chr21:46,363,621, A>G. VCF-style: chr21-46363621-A-G. GRCh37 (hg19) VCF-style: chr21-47783536-A-G.
Other names: c.1942A>G, p.Lys648Glu (NM_001315529.2); short protein forms K648E, K766E.
Identifiers: ClinVar variation 3357735 (VCV003357735.1).